The following is an entry in ClinVar:

NM_000179.3(MSH6):c.3282A>G (p.Ser1094=)

Gene: MSH6 (mutS homolog 6; plus strand). Cytogenetic location: 2p16.3.
Variant type: single nucleotide variant.
Coding change: c.3282A>G on transcript NM_000179.3 (MANE Select); coding-DNA position 3282, A replaced by G.
Protein change: p.Ser1094=; no amino-acid change (serine 1094 retained).
Molecular consequence: synonymous variant. On other transcripts: non-coding transcript variant (5), intron variant (1).
Genome position (GRCh38, 1-based): chr2:47,803,529, A>G. VCF-style: chr2-47803529-A-G. GRCh37 (hg19) VCF-style: chr2-48030668-A-G.
Other names: c.2892A>G, p.Ser964= (NM_001281492.2); c.2376A>G, p.Ser792= (NM_001281493.2, NM_001281494.2, NM_001406811.1 and 6 more transcripts); c.3378A>G, p.Ser1126= (NM_001406795.1, NM_001406802.1); c.3282A>G, p.Ser1094= (NM_001406796.1, NM_001406800.1, NM_001406808.1 and 1 more transcripts); c.2985A>G, p.Ser995= (NM_001406797.1, NM_001406801.1, NM_001406805.1 and 10 more transcripts); c.2757A>G, p.Ser919= (NM_001406799.1, NM_001406806.1, NM_001406807.1); c.2418A>G, p.Ser806= (NM_001406803.1); c.3204A>G, p.Ser1068= (NM_001406804.1); and 7 more.
Identifiers: ClinVar variation 1729754 (VCV001729754.6), dbSNP rs372996269, ClinGen allele CA426121894.

ClinVar aggregate classification (germline): Benign/Likely benign. Review status: criteria provided, multiple submitters, no conflicts (2 of 4 stars). 3 submissions from 3 submitters: Benign (1); Likely benign (2). Last evaluated 2025-01-06.

Conditions:
Hereditary nonpolyposis colorectal neoplasms. Identifiers: MedGen C0009405, MeSH D003123.
Hereditary cancer-predisposing syndrome. Also called: Neoplastic Syndromes, Hereditary; Tumor predisposition; Hereditary Cancer Syndrome; Hereditary neoplastic syndrome. Identifiers: Orphanet 140162, MedGen C0027672, MeSH D009386, MONDO:0015356.
Lynch syndrome 5 (LYNCH5). Also called: Hereditary non-polyposis colorectal cancer, type 5; Colorectal cancer, hereditary nonpolyposis, type 5. Identifiers: Orphanet 144, MedGen C1833477, MONDO:0013710, OMIM 614350. Disease mechanism: loss of function.

Submissions (3):

Myriad Genetics, Inc.
Classification: Benign for Lynch syndrome 5. Last evaluated: 2025-01-06. Review status: criteria provided, single submitter. Criteria: Myriad Autosomal Dominant, Autosomal Recessive and X-Linked Classification Criteria (2023). Collection method: clinical testing. Allele origin: unknown.
Comment: This variant is considered benign. This variant is a silent/synonymous amino acid change and it is not expected to impact splicing.

Labcorp Genetics (formerly Invitae), Labcorp
Classification: Likely benign for Hereditary nonpolyposis colorectal neoplasms. Last evaluated: 2024-01-24. Review status: criteria provided, single submitter. Criteria: Invitae Variant Classification Sherloc (09022015). Collection method: clinical testing. Allele origin: germline.

Ambry Genetics
Classification: Likely benign for Hereditary cancer-predisposing syndrome. Last evaluated: 2022-03-01. Review status: criteria provided, single submitter. Criteria: Ambry Variant Classification Scheme 2023. Collection method: clinical testing. Allele origin: germline.